The following is an entry in ClinVar:

NM_032043.3(BRIP1):c.2958C>T (p.Ser986=)

Gene: BRIP1 (BRCA1 interacting DNA helicase 1; minus strand). Cytogenetic location: 17q23.2.
Variant type: single nucleotide variant.
Coding change: c.2958C>T on transcript NM_032043.3 (MANE Select); coding-DNA position 2958, C replaced by T.
Protein change: p.Ser986=; no amino-acid change (serine 986 retained).
Molecular consequence: synonymous variant.
Genome position (GRCh38, 1-based): chr17:61,684,088, G>A on the plus strand (C>T on the coding strand, the complement: BRIP1 is on the minus strand). VCF-style: chr17-61684088-G-A. GRCh37 (hg19) VCF-style: chr17-59761449-G-A.
Identifiers: ClinVar variation 760122 (VCV000760122.14), dbSNP rs1603275662, ClinGen allele CA501143297.

ClinVar aggregate classification (germline): Conflicting classifications of pathogenicity. Review status: criteria provided, conflicting classifications (1 of 4 stars). 5 submissions from 5 submitters: Uncertain significance (1); Benign (1); Likely benign (3). Last evaluated 2024-11-19.

Conditions:
Hereditary cancer-predisposing syndrome. Also called: Tumor predisposition; Hereditary Cancer Syndrome; Neoplastic Syndromes, Hereditary; Hereditary neoplastic syndrome. Identifiers: Orphanet 140162, MedGen C0027672, MeSH D009386, MONDO:0015356.
Fanconi anemia complementation group J. Also called: BRIP1-Related Fanconi Anemia. Identifiers: Orphanet 84, MedGen C1836860, MONDO:0012187, OMIM 609054.
Familial cancer of breast. Also called: Hereditary breast cancer; BREAST CANCER, FAMILIAL; hereditary breast carcinoma. Identifiers: Orphanet 227535, MedGen C0346153, MONDO:0016419, OMIM 114480. Disease mechanism: loss of function.

Allele frequency attached by ClinVar (database versions not stated): gnomAD exomes below 0.00001.
gnomAD v4.1: 3 of 1,613,426 alleles (0.00019%); highest among the groups gnomAD compares: African/African-American, 0.0013%; no homozygotes.

Submissions (5):

Labcorp Genetics (formerly Invitae), Labcorp
Classification: Likely benign for Familial cancer of breast; Fanconi anemia complementation group J. Last evaluated: 2024-11-19. Review status: criteria provided, single submitter. Criteria: Invitae Variant Classification Sherloc (09022015). Collection method: clinical testing. Allele origin: germline.

Myriad Genetics, Inc.
Classification: Benign for Familial cancer of breast. Last evaluated: 2024-09-09. Review status: criteria provided, single submitter. Criteria: Myriad Autosomal Dominant, Autosomal Recessive and X-Linked Classification Criteria (2023). Collection method: clinical testing. Allele origin: unknown.
Comment: This variant is considered benign. This variant is a silent/synonymous amino acid change and it is not expected to impact splicing.

Color Diagnostics, LLC DBA Color Health
Classification: Likely benign for Hereditary cancer-predisposing syndrome. Last evaluated: 2024-06-17. Review status: criteria provided, single submitter. Criteria: ACMG Guidelines, 2015. Collection method: clinical testing. Allele origin: germline.

Ambry Genetics
Classification: Likely benign for Hereditary cancer-predisposing syndrome. Last evaluated: 2023-11-10. Review status: criteria provided, single submitter. Criteria: Ambry Variant Classification Scheme 2023. Collection method: clinical testing. Allele origin: germline.

Quest Diagnostics Nichols Institute San Juan Capistrano
Classification: Uncertain significance. Last evaluated: 2019-11-20. Review status: criteria provided, single submitter. Criteria: Quest Diagnostics criteria. Collection method: clinical testing. Allele origin: unknown.